The following is an entry in ClinVar:

NM_018163.3(DNAJC17):c.173A>G (p.Gln58Arg)

Gene: DNAJC17 (DnaJ heat shock protein family (Hsp40) member C17; minus strand). Cytogenetic location: 15q15.1.
Variant type: single nucleotide variant.
Coding change: c.173A>G on transcript NM_018163.3 (MANE Select); coding-DNA position 173, A replaced by G.
Protein change: p.Gln58Arg; replaces glutamine 58 with arginine.
Molecular consequence: missense variant.
Genome position (GRCh38, 1-based): chr15:40,779,579, T>C on the plus strand (A>G on the coding strand, the complement: DNAJC17 is on the minus strand). VCF-style: chr15-40779579-T-C. GRCh37 (hg19) VCF-style: chr15-41071777-T-C.
Other names: short protein forms Q58R.
Identifiers: ClinVar variation 3273108 (VCV003273108.3).

ClinVar aggregate classification (germline): Uncertain significance. Review status: criteria provided, multiple submitters, no conflicts (2 of 4 stars). 2 submissions from 2 submitters: Uncertain significance (2). Last evaluated 2024-06-28.

gnomAD v4.1: 7 of 1,613,698 alleles (0.00043%); highest among the groups gnomAD compares: Non-Finnish European, 0.00051%; no homozygotes.

Submissions (2):

Labcorp Genetics (formerly Invitae), Labcorp
Classification: Uncertain significance. Last evaluated: 2024-06-28. Review status: criteria provided, single submitter. Criteria: Invitae Variant Classification Sherloc (09022015). Collection method: clinical testing. Allele origin: germline.
Comment: This sequence change replaces glutamine, which is neutral and polar, with arginine, which is basic and polar, at codon 58 of the DNAJC17 protein (p.Gln58Arg). This variant is not present in population databases (gnomAD no frequency). This variant has not been reported in the literature in individuals affected with DNAJC17-related conditions. An algorithm developed to predict the effect of missense changes on protein structure and function (PolyPhen-2) suggests that this variant is likely to be tolerated. In summary, the available evidence is currently insufficient to determine the role of this variant in disease. Therefore, it has been classified as a Variant of Uncertain Significance.

Ambry Genetics
Classification: Uncertain significance. Last evaluated: 2024-05-01. Review status: criteria provided, single submitter. Criteria: Ambry Variant Classification Scheme 2023. Collection method: clinical testing. Allele origin: germline.